The following is an entry in ClinVar:

NM_033026.6(PCLO):c.14767G>A (p.Val4923Met)

Gene: PCLO (piccolo presynaptic cytomatrix protein; minus strand). Cytogenetic location: 7q21.11.
Variant type: single nucleotide variant.
Coding change: c.14767G>A on transcript NM_033026.6 (MANE Select); coding-DNA position 14767, G replaced by A.
Protein change: p.Val4923Met; replaces valine 4923 with methionine.
Molecular consequence: missense variant.
Genome position (GRCh38, 1-based): chr7:82,822,519, C>T on the plus strand (G>A on the coding strand, the complement: PCLO is on the minus strand). VCF-style: chr7-82822519-C-T. GRCh37 (hg19) VCF-style: chr7-82451835-C-T.
Other names: c.14767G>A, p.Val4923Met (NM_014510.3); short protein forms V4923M.
Identifiers: ClinVar variation 2418618 (VCV002418618.5), dbSNP rs771450435, ClinGen allele CA4318726.

ClinVar aggregate classification (germline): Uncertain significance (1 of 4 stars; one submission).

Allele frequency attached by ClinVar (database versions not stated): ExAC 0.00001; TOPMed 0.00002; gnomAD 0.00003.
gnomAD v4.1: 19 of 1,613,706 alleles (0.0012%); highest among the groups gnomAD compares: African/African-American, 0.0067%; no homozygotes.

Submission:

Labcorp Genetics (formerly Invitae), Labcorp
Classification: Uncertain significance. Last evaluated: 2023-02-08. Review status: criteria provided, single submitter. Criteria: Invitae Variant Classification Sherloc (09022015). Collection method: clinical testing. Allele origin: germline.
Comment: In summary, the available evidence is currently insufficient to determine the role of this variant in disease. Therefore, it has been classified as a Variant of Uncertain Significance. Algorithms developed to predict the effect of missense changes on protein structure and function are either unavailable or do not agree on the potential impact of this missense change (SIFT: "Deleterious"; PolyPhen-2: "Not Available"; Align-GVGD: "Class C0"). This variant has not been reported in the literature in individuals affected with PCLO-related conditions. This variant is present in population databases (rs771450435, gnomAD 0.004%). This sequence change replaces valine, which is neutral and non-polar, with methionine, which is neutral and non-polar, at codon 4923 of the PCLO protein (p.Val4923Met).